The following is an entry in ClinVar:

ClinVar aggregate classification (germline): Likely benign. Review status: criteria provided, multiple submitters, no conflicts (2 of 4 stars). 2 submissions from 2 submitters: Likely benign (2). Last evaluated 2026-03-01.

gnomAD v4.1: 24 of 1,613,952 alleles (0.0015%); highest among the groups gnomAD compares: African/African-American, 0.0053%; no homozygotes.

Submissions (2):

CeGaT Center for Human Genetics Tuebingen
Classification: Likely benign. Last evaluated: 2026-03-01. Review status: criteria provided, single submitter. Criteria: CeGaT Center For Human Genetics Tuebingen Variant Classification Criteria Version 2. Collection method: clinical testing. Allele origin: germline. Affected: yes. Observed: 1 variant allele.
Comment: MACF1: BP4, BS2

Labcorp Genetics (formerly Invitae), Labcorp
Classification: Likely benign. Last evaluated: 2024-03-16. Review status: criteria provided, single submitter. Criteria: Invitae Variant Classification Sherloc (09022015). Collection method: clinical testing. Allele origin: germline.

NM_001394062.1(MACF1):c.15102G>A (p.Glu5034=)

Gene: MACF1 (microtubule actin crosslinking factor 1; plus strand). Cytogenetic location: 1p34.3.
Variant type: single nucleotide variant.
Coding change: c.15102G>A on transcript NM_001394062.1 (MANE Select); coding-DNA position 15102, G replaced by A.
Protein change: p.Glu5034=; no amino-acid change (glutamic acid 5034 retained).
Molecular consequence: synonymous variant.
Genome position (GRCh38, 1-based): chr1:39,387,944, G>A. VCF-style: chr1-39387944-G-A. GRCh37 (hg19) VCF-style: chr1-39853616-G-A.
Other names: c.8916G>A, p.Glu2972= (NM_012090.5).
Identifiers: ClinVar variation 3616316 (VCV003616316.6).